The following is an entry in ClinVar:

NM_000531.6(OTC):c.386+2T>C

Gene: OTC (ornithine transcarbamylase; plus strand). Cytogenetic location: Xp11.4.
Variant type: single nucleotide variant.
Coding change: c.386+2T>C on transcript NM_000531.6 (MANE Select); the canonical splice donor site of the intron after coding-DNA position 386, T replaced by C.
Molecular consequence: splice donor variant.
Genome position (GRCh38, 1-based): chrX:38,381,431, T>C. VCF-style: chrX-38381431-T-C. GRCh37 (hg19) VCF-style: chrX-38240684-T-C.
Other names: NC_000023.10:g.38240684T>C; c.386+2T>C (NM_001407092.1).
Identifiers: ClinVar variation 97180 (VCV000097180.3), dbSNP rs72554359, ClinGen allele CA224567.
Genomic context (GRCh38, chrX:38,381,431, plus strand): 5'-TTTCTTACCACACAAGATATTCATTTGGGTGTGAATGAAAGTCTCACGGACACGGCCCGG[T>C]TTGTAAATATTTTCTTCTCTCCAAAGCTGATTTCAGAATCTGATGGATAAATTTCAAAAA-3'

ClinVar aggregate classification (germline): Pathogenic (0 of 4 stars; one submission).

Submissions (2):

Dr. Peter K. Rogan Lab, Western University
No classification provided (evidence only). Condition: Nonpapillary renal cell carcinoma. Review status: no classification provided. Collection method: in vitro. Allele origin: not applicable. Functional consequence: retained intron. Not counted in ClinVar's aggregate classification.

GenMed Metabolism Lab
Classification: Pathogenic. Review status: no assertion criteria provided. Collection method: not provided. Allele origin: unknown.
Comment: Neonatal, Donor splice site error
ClinVar note: Converted during submission from pathogenic to Pathogenic.